The following is an entry in ClinVar:

NM_002242.4(KCNJ13):c.525A>G (p.Thr175=)

Genes: GIGYF2 (GRB10 interacting GYF protein 2; plus strand), KCNJ13 (potassium inwardly rectifying channel subfamily J member 13; minus strand). Cytogenetic location: 2q37.1.
Variant type: single nucleotide variant.
Coding change: c.525A>G on transcript NM_002242.4 (MANE Select); coding-DNA position 525, A replaced by G.
Protein change: p.Thr175=; no amino-acid change (threonine 175 retained).
Molecular consequence: synonymous variant. On other transcripts: 3 prime UTR variant (1), intron variant (4).
Genome position (GRCh38, 1-based): chr2:232,768,749, T>C on the plus strand (A>G on the coding strand, the complement: KCNJ13 is on the minus strand). VCF-style: chr2-232768749-T-C. GRCh37 (hg19) VCF-style: chr2-233633459-T-C.
Other names: c.*4A>G (NM_001172416.1); c.285A>G, p.Thr95= (NM_001172417.1); c.532+7313T>C (NM_001103146.3, NM_015575.4, NM_001103147.2 and 1 more transcripts).
Identifiers: ClinVar variation 2652010 (VCV002652010.24), dbSNP rs754251177, ClinGen allele CA2170016.

ClinVar aggregate classification (germline): Likely benign (1 of 4 stars; one submission).

Allele frequency attached by ClinVar (database versions not stated): ExAC 0.00002; gnomAD 0.00002; gnomAD exomes 0.00002; TOPMed 0.00004.
gnomAD v4.1: 38 of 1,601,520 alleles (0.0024%); highest among the groups gnomAD compares: Non-Finnish European, 0.0029%; no homozygotes.

Submission:

CeGaT Center for Human Genetics Tuebingen
Classification: Likely benign. Last evaluated: 2022-05-01. Review status: criteria provided, single submitter. Criteria: CeGaT Center For Human Genetics Tuebingen Variant Classification Criteria Version 2. Collection method: clinical testing. Allele origin: germline. Affected: yes. Observed: 1 variant allele.
Comment: KCNJ13: BP4, BP7